The following is an entry in ClinVar:

ClinVar aggregate classification (germline): Pathogenic/Likely pathogenic. Review status: criteria provided, multiple submitters, no conflicts (2 of 4 stars). 3 submissions from 3 submitters: Pathogenic (2); Likely pathogenic (1). Last evaluated 2024-11-18.

Conditions:
Autosomal recessive limb-girdle muscular dystrophy type 2J (LGMDR10). Also called: Limb-girdle muscular dystrophy, type 2J; MUSCULAR DYSTROPHY, LIMB-GIRDLE, AUTOSOMAL RECESSIVE 10. Identifiers: Orphanet 140922, MedGen C1837342, MONDO:0012127, OMIM 608807.
Dilated cardiomyopathy 1G (CMD1G). Identifiers: Orphanet 154, MedGen C1858763, MONDO:0011400, OMIM 604145.

Submissions (3):

Labcorp Genetics (formerly Invitae), Labcorp
Classification: Likely pathogenic for Dilated cardiomyopathy 1G; Autosomal recessive limb-girdle muscular dystrophy type 2J. Last evaluated: 2024-11-18. Review status: criteria provided, single submitter. Criteria: Invitae Variant Classification Sherloc (09022015). Collection method: clinical testing. Allele origin: germline.
Comment: This sequence change affects a splice site in intron 259 of the TTN gene. It is expected to disrupt RNA splicing and likely results in a truncated or disrupted TTN protein. This variant is not present in population databases (gnomAD no frequency). This variant has not been reported in the literature in individuals affected with TTN-related conditions. ClinVar contains an entry for this variant (Variation ID: 2576612). Algorithms developed to predict the effect of sequence changes on RNA splicing suggest that this variant may disrupt the consensus splice site. This variant is located in the A band of TTN (PMID: 25589632). Truncating variants in this region are significantly overrepresented in patients affected with dilated cardiomyopathy (PMID: 25589632). Truncating variants in this region have also been reported in individuals affected with autosomal recessive centronuclear myopathy (PMID: 23975875). In summary, the currently available evidence indicates that the variant is pathogenic, but additional data are needed to prove that conclusively. Therefore, this variant has been classified as Likely Pathogenic.

Institute of Human Genetics, University of Leipzig Medical Center
Classification: Pathogenic for Dilated cardiomyopathy 1G. Last evaluated: 2024-07-02. Review status: criteria provided, single submitter. Criteria: ACMG Guidelines, 2015. Collection method: clinical testing. Allele origin: unknown. Inheritance: Autosomal dominant inheritance. Affected: yes.
Comment: Criteria applied: PVS1,PM2

CeGaT Center for Human Genetics Tuebingen
Classification: Pathogenic. Last evaluated: 2023-09-01. Review status: criteria provided, single submitter. Criteria: CeGaT Center For Human Genetics Tuebingen Variant Classification Criteria Version 2. Collection method: clinical testing. Allele origin: germline. Affected: yes. Observed: 1 variant allele.
Comment: TTN: PVS1, PM2

Literature cited by the submitters: PubMed 25589632 (cited by Labcorp Genetics (formerly Invitae), Labcorp); PubMed 23975875 (cited by Labcorp Genetics (formerly Invitae), Labcorp).

NM_001267550.2(TTN):c.48638+1del

Genes: TTN-AS1 (TTN antisense RNA 1; plus strand), TTN (titin; minus strand), LOC126806426 (BRD4-independent group 4 enhancer GRCh37_chr2:179478848-179480047; plus strand). Cytogenetic location: 2q31.2.
Variant type: Deletion.
Coding change: c.48638+1del on transcript NM_001267550.2 (MANE Select); the canonical splice donor site of the intron after coding-DNA position 48638, one base deleted (G; older notation c.48638+1delG).
Molecular consequence: splice donor variant.
Genome position (GRCh38, 1-based): chr2:178,615,306, C deleted on the plus strand (G on the coding strand, the reverse complement: TTN is on the minus strand). VCF-style (leftmost placement, unchanged base first): chr2-178615305-AC-A. GRCh37 (hg19) VCF-style: chr2-179480032-AC-A.
Other names: c.21443+1del (NM_003319.4); c.22019+1del (NM_133437.4); c.21818+1del (NM_133432.3); c.40934+1del (NM_133378.4); c.43715+1del (NM_001256850.1).
Identifiers: ClinVar variation 2576612 (VCV002576612.30), dbSNP rs2470731076, ClinGen allele CA2580614507.
Genomic context (GRCh38, chr2:178,615,305, plus strand): 5'-AACAAAGCCCATTTTAGTGACTAGGAGTACACATTTACTCTCATGCCAAATTAAAAACCT[AC>A]TTTGTTTCTGCAACAGGTTCTCCACAGGCAACCCATTTATCAGAACCACGTGGACATCTT-3'